The following is an entry in ClinVar:

NM_004629.2(FANCG):c.1514C>G (p.Ser505Ter)

Gene: FANCG (FA complementation group G; minus strand). Cytogenetic location: 9p13.3.
Variant type: single nucleotide variant.
Coding change: c.1514C>G on transcript NM_004629.2 (MANE Select); coding-DNA position 1514, C replaced by G.
Protein change: p.Ser505Ter; replaces serine 505 with a stop codon.
Molecular consequence: nonsense.
Genome position (GRCh38, 1-based): chr9:35,075,049, G>C on the plus strand (C>G on the coding strand, the complement: FANCG is on the minus strand). VCF-style: chr9-35075049-G-C. GRCh37 (hg19) VCF-style: chr9-35075046-G-C.
Other names: short protein forms S505*.
Identifiers: ClinVar variation 4815368 (VCV004815368.1).
Genomic context (GRCh38, chr9:35,075,049, plus strand): 5'-ACCCATTCCAGTCCACGACTAATTAGGGCGGCTGCCCGAAGCTGCTGCAGTGCCGCATCT[G>C]ACTTACATCCCTGCTCACAGTTGAAAGCTGCCCCTGGGGACCACTCCCAAAGTCAAGAAG-3'

ClinVar aggregate classification (germline): Likely pathogenic (1 of 4 stars; one submission).

Conditions:
Fanconi anemia complementation group G. Also called: FANCG-Related Fanconi Anemia; Fanconi anemia group G. Identifiers: Orphanet 84, MedGen C3469527, MONDO:0013565, OMIM 614082.

Submission:

Natera, Inc.
Classification: Likely pathogenic for Fanconi anemia group G. Last evaluated: 2024-11-08. Review status: criteria provided, single submitter. Criteria: Natera Variant Classification Schema (03/2026). Collection method: clinical testing. Allele origin: germline.
Comment: The c.1514C>G variant in FANCG is a nonsense variant predicted to introduce a stop codon at amino acid 505. This variant is expected to result in nonsense mediated decay, truncation, or a dysfunctional protein product. This variant is rare in the general population with a frequency below the threshold expected for the associated phenotype(s). Given the available evidence, this variant is classified as Likely Pathogenic.